The following is an entry in ClinVar:

NM_001378454.1(ALMS1):c.6359A>G (p.Lys2120Arg)

Gene: ALMS1 (ALMS1 centrosome and basal body associated protein; plus strand). Cytogenetic location: 2p13.1.
Variant type: single nucleotide variant.
Coding change: c.6359A>G on transcript NM_001378454.1 (MANE Select); coding-DNA position 6359, A replaced by G.
Protein change: p.Lys2120Arg; replaces lysine 2120 with arginine.
Molecular consequence: missense variant.
Genome position (GRCh38, 1-based): chr2:73,452,886, A>G. VCF-style: chr2-73452886-A-G. GRCh37 (hg19) VCF-style: chr2-73680013-A-G.
Other names: c.6362A>G, p.Lys2121Arg (NM_015120.4); short protein forms K2121R, K2120R.
Identifiers: ClinVar variation 403922 (VCV000403922.9), dbSNP rs745919138, ClinGen allele CA1714055.
Genomic context (GRCh38, chr2:73,452,886, plus strand): 5'-AATCGAATATTTTCAGTCCACAGGAATTGCCAGGTAGTCATGTAACTGAAGATGTGCTGA[A>G]GGTTTCAACAATTCCTGGACCAGCTGGCCAGAAAACAGTATTACCAACAGCTCTTCCTAG-3'
Protein context (NP_001365383.1, residues 2110-2130): PGSHVTEDVL[Lys2120Arg]VSTIPGPAGQ

ClinVar aggregate classification (germline): Uncertain significance. Review status: criteria provided, multiple submitters, no conflicts (2 of 4 stars). 4 submissions from 4 submitters: Uncertain significance (3). 1 of the submissions does not count toward it. Last evaluated 2024-08-14.

Conditions:
Cardiovascular phenotype. Identifiers: MedGen CN230736.
Alstrom syndrome (ALMS). Identifiers: Orphanet 64, MedGen C0268425, MONDO:0008763, OMIM 203800.

Allele frequency attached by ClinVar (database versions not stated): ExAC 0.00001; gnomAD exomes 0.00001 and 0.00002; TOPMed 0.00001.
gnomAD v4.1: 24 of 1,613,920 alleles (0.0015%); highest among the groups gnomAD compares: Non-Finnish European, 0.0019%; no homozygotes.

Submissions (4):

Blueprint Genetics
Classification: Uncertain significance. Last evaluated: 2024-08-14. Review status: criteria provided, single submitter. Criteria: ACMG Guidelines, 2015. Collection method: clinical testing. Allele origin: germline.

Labcorp Genetics (formerly Invitae), Labcorp
Classification: Uncertain significance for Alstrom syndrome. Last evaluated: 2022-08-21. Review status: criteria provided, single submitter. Criteria: Invitae Variant Classification Sherloc (09022015). Collection method: clinical testing. Allele origin: germline.
Comment: This sequence change replaces lysine, which is basic and polar, with arginine, which is basic and polar, at codon 2121 of the ALMS1 protein (p.Lys2121Arg). This variant is present in population databases (rs745919138, gnomAD 0.003%). This variant has not been reported in the literature in individuals affected with ALMS1-related conditions. ClinVar contains an entry for this variant (Variation ID: 403922). In summary, the available evidence is currently insufficient to determine the role of this variant in disease. Therefore, it has been classified as a Variant of Uncertain Significance.

Ambry Genetics
Classification: Uncertain significance for Cardiovascular phenotype. Last evaluated: 2021-01-08. Review status: criteria provided, single submitter. Criteria: Ambry Variant Classification Scheme 2023. Collection method: clinical testing. Allele origin: germline.
Comment: The p.K2121R variant (also known as c.6362A>G), located in coding exon 8 of the ALMS1 gene, results from an A to G substitution at nucleotide position 6362. The lysine at codon 2121 is replaced by arginine, an amino acid with highly similar properties. This amino acid position is well conserved in available vertebrate species. In addition, this alteration is predicted to be tolerated by in silico analysis. Since supporting evidence is limited at this time, the clinical significance of this alteration remains unclear.

Natera, Inc.
Classification: Uncertain significance for Alstrom syndrome. Last evaluated: 2021-06-30. Review status: no assertion criteria provided. Collection method: clinical testing. Allele origin: germline. Not counted in ClinVar's aggregate classification.